The following is an entry in ClinVar:

NM_001261826.3(AP3D1):c.2651C>T (p.Ala884Val)

Gene: AP3D1 (adaptor related protein complex 3 subunit delta 1; minus strand). Cytogenetic location: 19p13.3.
Variant type: single nucleotide variant.
Coding change: c.2651C>T on transcript NM_001261826.3 (MANE Select); coding-DNA position 2651, C replaced by T.
Protein change: p.Ala884Val; replaces alanine 884 with valine.
Molecular consequence: missense variant. On other transcripts: intron variant (1).
Genome position (GRCh38, 1-based): chr19:2,113,364, G>A on the plus strand (C>T on the coding strand, the complement: AP3D1 is on the minus strand). VCF-style: chr19-2113364-G-A. GRCh37 (hg19) VCF-style: chr19-2113363-G-A.
Other names: p.Ala884Val; c.2651C>T, p.Ala884Val (NM_001374799.1); c.2601+761C>T (NM_003938.8); short protein forms A884V.
Identifiers: ClinVar variation 1378114 (VCV001378114.9), dbSNP rs1363883930, ClinGen allele CA403207153.
Genomic context (GRCh38, chr19:2,113,364, plus strand): 5'-AGGCTGGCACTGGCCAGCTGCCAGTCTCTTACCGTGGATGGAACGGGGGCGGGGGCGGGG[G>A]CGGGGGCAGGCGGTGGGGTGGTAGACAGCCAGAAGTCCAGGTCCTCAGCCTGAAACCACA-3'
Protein context (NP_001248755.1, residues 874-894): WLSTTPPPAP[Ala884Val]PAPAPVPSTG

ClinVar aggregate classification (germline): Uncertain significance. Review status: criteria provided, multiple submitters, no conflicts (2 of 4 stars). 2 submissions from 2 submitters: Uncertain significance (2). Last evaluated 2026-01-22.

Allele frequency attached by ClinVar (database versions not stated): gnomAD 0.00001; gnomAD exomes 0.00002; TOPMed 0.00002.
gnomAD v4.1: 24 of 1,367,192 alleles (0.0018%); highest among the groups gnomAD compares: Admixed American, 0.0027%; no homozygotes.

Submissions (2):

Labcorp Genetics (formerly Invitae), Labcorp
Classification: Uncertain significance. Last evaluated: 2026-01-22. Review status: criteria provided, single submitter. Criteria: Invitae Variant Classification Sherloc (09022015). Collection method: clinical testing. Allele origin: germline.
Comment: This sequence change replaces alanine, which is neutral and non-polar, with valine, which is neutral and non-polar, at codon 884 of the AP3D1 protein (p.Ala884Val). The frequency data for this variant in the population databases is considered unreliable, as metrics indicate poor data quality at this position in the gnomAD database. This variant has not been reported in the literature in individuals affected with AP3D1-related conditions. ClinVar contains an entry for this variant (Variation ID: 1378114). An algorithm developed to predict the effect of missense changes on protein structure and function outputs the following: PolyPhen-2: "Benign". The valine amino acid residue is found in multiple mammalian species, which suggests that this missense change does not adversely affect protein function. In summary, the available evidence is currently insufficient to determine the role of this variant in disease. Therefore, it has been classified as a Variant of Uncertain Significance.

Mayo Clinic Laboratories, Mayo Clinic
Classification: Uncertain significance. Last evaluated: 2025-10-16. Review status: criteria provided, single submitter. Criteria: ACMG Guidelines, 2015. Collection method: clinical testing. Allele origin: germline. Observed: 1 variant allele.
Comment: BP4_moderate, PM2_supporting